The following is an entry in ClinVar:

NM_002968.3(SALL1):c.199A>G (p.Lys67Glu)

Gene: SALL1 (spalt like transcription factor 1; minus strand). Cytogenetic location: 16q12.1.
Variant type: single nucleotide variant.
Coding change: c.199A>G on transcript NM_002968.3 (MANE Select); coding-DNA position 199, A replaced by G.
Protein change: p.Lys67Glu; replaces lysine 67 with glutamic acid.
Molecular consequence: missense variant. On other transcripts: 5 prime UTR variant (1).
Genome position (GRCh38, 1-based): chr16:51,142,023, T>C on the plus strand (A>G on the coding strand, the complement: SALL1 is on the minus strand). VCF-style: chr16-51142023-T-C. GRCh37 (hg19) VCF-style: chr16-51175934-T-C.
Other names: c.-93A>G (NM_001127892.2); short protein forms K67E.
Identifiers: ClinVar variation 4087845 (VCV004087845.1).

ClinVar aggregate classification (germline): Uncertain significance (1 of 4 stars; one submission).

Submission:

GeneDx
Classification: Uncertain significance. Last evaluated: 2025-03-20. Review status: criteria provided, single submitter. Criteria: GeneDx Variant Classification Process June 2021. Collection method: clinical testing. Allele origin: germline. Affected: yes.
Comment: Not observed at significant frequency in large population cohorts (gnomAD); In silico analysis indicates that this missense variant does not alter protein structure/function; Has not been previously published as pathogenic or benign to our knowledge